The following is an entry in ClinVar:

NM_001308.3(CPN1):c.324G>C (p.Arg108=)

Gene: CPN1 (carboxypeptidase N subunit 1; minus strand). Cytogenetic location: 10q24.2.
Variant type: single nucleotide variant.
Coding change: c.324G>C on transcript NM_001308.3 (MANE Select); coding-DNA position 324, G replaced by C.
Protein change: p.Arg108=; no amino-acid change (arginine 108 retained).
Molecular consequence: synonymous variant.
Genome position (GRCh38, 1-based): chr10:100,076,007, C>G on the plus strand (G>C on the coding strand, the complement: CPN1 is on the minus strand). VCF-style: chr10-100076007-C-G. GRCh37 (hg19) VCF-style: chr10-101835764-C-G.
Identifiers: ClinVar variation 3038291 (VCV003038291.2), dbSNP rs61754515, ClinGen allele CA5645809.
Genomic context (GRCh38, chr10:100,076,007, plus strand): 5'-GGATGGCAGGATGTGAATGCGCGTGTCCTGGATGAGCTGGACGATGCGCTGGTTCCTGTT[C>G]CGGAACTCCTCGCACAGAAACTCCGACAGCTGCAGCATCAGCTCGCGGCCCAACGCTTCG-3'
Protein context (NP_001299.1, residues 98-118): QLSEFLCEEF[Arg108=]NRNQRIVQLI

ClinVar aggregate classification (germline): Benign (0 of 4 stars; one submission).

Conditions:
CPN1-related disorder. Also called: CPN1-related condition.

Allele frequency attached by ClinVar (database versions not stated): gnomAD 0.03528; 1000 Genomes Project 0.03734; 1000 Genomes Project 30x 0.03763; TOPMed 0.04084; ESP Exome Variant Server 0.04344.
gnomAD v4.1: 11,232 of 1,614,062 alleles (0.7%); highest among the groups gnomAD compares: African/African-American, 13%; 636 homozygotes.

Submission:

PreventionGenetics, part of Exact Sciences
Classification: Benign for CPN1-related condition. Last evaluated: 2020-01-28. Review status: no assertion criteria provided. Collection method: clinical testing. Allele origin: germline.
Comment: This variant is classified as benign based on ACMG/AMP sequence variant interpretation guidelines (Richards et al. 2015 PMID: 25741868, with internal and published modifications).